The following is an entry in ClinVar:

ClinVar aggregate classification (germline): Uncertain significance. Review status: criteria provided, multiple submitters, no conflicts (2 of 4 stars). 2 submissions from 2 submitters: Uncertain significance (2). Last evaluated 2026-04-07.

gnomAD v4.1: 3 of 1,613,444 alleles (0.00019%); highest among the groups gnomAD compares: Non-Finnish European, 0.00025%; no homozygotes.

Submissions (2):

GeneDx
Classification: Uncertain significance. Last evaluated: 2026-04-07. Review status: criteria provided, single submitter. Criteria: GeneDx Variant Classification Process June 2021. Collection method: clinical testing. Allele origin: germline.
Comment: Has not been previously published as pathogenic or benign to our knowledge; In silico analysis supports that this missense variant has a deleterious effect on protein structure/function

Dasa
Classification: Uncertain significance. Last evaluated: 2026-03-17. Review status: criteria provided, single submitter. Criteria: DASA Assertion Criteria. Collection method: clinical testing. Allele origin: germline.
Comment: NM_006940.6(SOX5):c.1035G>C (p.Gln345His) is a missense variant that results in the substitution of glutamine with histidine. This variant is rare in population databases. The currently available literature and clinical evidence are not sufficient to establish a definitive association between this variant and the reported condition. Therefore, this variant is classified as a variant of uncertain significance.

NM_006940.6(SOX5):c.1035G>C (p.Gln345His)

Gene: SOX5 (SRY-box transcription factor 5; minus strand). Cytogenetic location: 12p12.1.
Variant type: single nucleotide variant.
Coding change: c.1035G>C on transcript NM_006940.6 (MANE Select); coding-DNA position 1035, G replaced by C.
Protein change: p.Gln345His; replaces glutamine 345 with histidine.
Molecular consequence: missense variant.
Genome position (GRCh38, 1-based): chr12:23,604,516, C>G on the plus strand (G>C on the coding strand, the complement: SOX5 is on the minus strand). VCF-style: chr12-23604516-C-G. GRCh37 (hg19) VCF-style: chr12-23757450-C-G.
Other names: c.996G>C, p.Gln332His (NM_001261414.3, NM_152989.5); c.1005G>C, p.Gln335His (NM_001261415.3); c.930G>C, p.Gln310His (NM_001330785.2); short protein forms Q310H, Q332H, Q335H, Q345H.
Identifiers: ClinVar variation 3361037 (VCV003361037.4).
Genomic context (GRCh38, chr12:23,604,516, plus strand): 5'-AAGGTTGCCTTGGGGTATGCCTGGCAGCTTCCCTCCTGGAGATACCTGCATTGCAGCTAG[C>G]TGGGCAGCATATAACTGCTACAGAAGAAAAAGAGAGAGAGGGAGAAAGAATACTGTGAAT-3'
Protein context (NP_008871.3, residues 335-355): PLQLQQLYAA[Gln345His]LAAMQVSPGG